The following is an entry in ClinVar:

NM_000368.5(TSC1):c.1760A>G (p.Lys587Arg)

Gene: TSC1 (TSC complex subunit 1; minus strand). Cytogenetic location: 9q34.13.
Variant type: single nucleotide variant.
Coding change: c.1760A>G on transcript NM_000368.5 (MANE Select); coding-DNA position 1760, A replaced by G.
Protein change: p.Lys587Arg; replaces lysine 587 with arginine.
Molecular consequence: missense variant.
Genome position (GRCh38, 1-based): chr9:132,905,818, T>C on the plus strand (A>G on the coding strand, the complement: TSC1 is on the minus strand). VCF-style: chr9-132905818-T-C. GRCh37 (hg19) VCF-style: chr9-135781205-T-C.
Other names: p.K587R:AAA>AGA; c.1757A>G, p.Lys586Arg (NM_001162426.2); c.1607A>G, p.Lys536Arg (NM_001162427.2); c.1397A>G, p.Lys466Arg (NM_001362177.2); short protein forms K587R, K466R, K536R, K586R.
Identifiers: ClinVar variation 5099 (VCV000005099.60), dbSNP rs118203576, ClinGen allele CA005376.

ClinVar aggregate classification (germline): Benign/Likely benign. Review status: criteria provided, multiple submitters, no conflicts (2 of 4 stars). 32 submissions from 31 submitters: Benign (25); Likely benign (1). 6 of the submissions do not count toward it. Last evaluated 2026-02-04.

Conditions:
Lung lymphangioleiomyomatosis. Identifiers: Orphanet 538, MedGen C0349649, MONDO:0006277.
Hereditary cancer-predisposing syndrome. Also called: Tumor predisposition; Hereditary neoplastic syndrome; Hereditary Cancer Syndrome; Neoplastic Syndromes, Hereditary. Identifiers: Orphanet 140162, MedGen C0027672, MeSH D009386, MONDO:0015356.
Tuberous sclerosis syndrome (TSC). Also called: Tuberous Sclerosis Complex; Tuberous sclerosis. Identifiers: Orphanet 805, MedGen C0041341, MONDO:0001734.
Isolated focal cortical dysplasia type II (FCORD2). Also called: CORTICAL DYSPLASIA OF TAYLOR; Focal cortical dysplasia type II. Identifiers: Orphanet 268994, MedGen C1846385, MONDO:0011818, OMIM 607341, HP:0032051.
Tuberous sclerosis 1 (TSC1). Identifiers: Orphanet 805, MedGen C1854465, MONDO:0008612, OMIM 191100.

Allele frequency attached by ClinVar (database versions not stated): gnomAD exomes 0.00600 and 0.02599; gnomAD 0.01347 and 0.01357; 1000 Genomes Project 0.01817; ExAC 0.01878; 1000 Genomes Project 30x 0.02077; TOPMed 0.02103.
gnomAD v4.1: 10,830 of 1,614,146 alleles (0.67%); highest among the groups gnomAD compares: Admixed American, 15%; 890 homozygotes.

Submissions 1 to 22 of 38:

Labcorp Genetics (formerly Invitae), Labcorp
Classification: Benign for Tuberous sclerosis 1. Last evaluated: 2026-02-04. Review status: criteria provided, single submitter. Criteria: Invitae Variant Classification Sherloc (09022015). Collection method: clinical testing. Allele origin: germline.

Dasa
Classification: Benign. Last evaluated: 2025-11-17. Review status: criteria provided, single submitter. Criteria: DASA Assertion Criteria. Collection method: clinical testing. Allele origin: germline.
Comment: NM_000368.5(TSC1):c.1760A>G (p.Lys587Arg) is a missense variant that results in the substitution of lysine with arginine. Population frequency is inconsistent with a disease-causing role for this variant, and observations in unaffected individuals support a benign interpretation. Therefore, based on the currently available evidence, this variant is classified as benign.

Athena Diagnostics
Classification: Benign. Last evaluated: 2025-08-06. Review status: criteria provided, single submitter. Criteria: Athena Diagnostics Criteria. Collection method: clinical testing. Allele origin: unknown.
Comment: The frequency of this variant in the general population is higher than would generally be expected for pathogenic variants in this gene.

ARUP Laboratories, Molecular Genetics and Genomics, ARUP Laboratories
Classification: Benign. Last evaluated: 2025-06-19. Review status: criteria provided, single submitter. Criteria: ARUP Molecular Germline Variant Investigation Process 2024. Collection method: clinical testing. Allele origin: germline.

Myriad Genetics, Inc.
Classification: Benign for Tuberous sclerosis 1. Last evaluated: 2025-04-10. Review status: criteria provided, single submitter. Criteria: Myriad Autosomal Dominant, Autosomal Recessive and X-Linked Classification Criteria (2023). Collection method: clinical testing. Allele origin: unknown.
Comment: This variant is considered benign. This variant has been observed at a population frequency that is significantly greater than expected given the associated disease prevalence and penetrance.

Blueprint Genetics
Classification: Likely benign. Last evaluated: 2024-11-26. Review status: criteria provided, single submitter. Criteria: ACMG Guidelines, 2015. Collection method: clinical testing. Allele origin: germline.

Unidad de Genómica Garrahan, Hospital de Pediatría Garrahan
Classification: Benign. Last evaluated: 2024-07-15. Review status: criteria provided, single submitter. Criteria: ACMG Guidelines, 2015. Collection method: clinical testing. Allele origin: germline. Affected: no. Observed: 25 variant alleles.
Comment: This variant is classified as Benign based on local population frequency. This variant was detected in 27% of patients studied in a panel designed for Epileptic and Developmental Encephalopathy and Progressive Myoclonus Epilepsy. Number of patients: 25. Only high quality variants are reported.

Mayo Clinic Laboratories, Mayo Clinic
Classification: Benign. Last evaluated: 2024-01-23. Review status: criteria provided, single submitter. Criteria: ACMG Guidelines, 2015. Collection method: clinical testing. Allele origin: germline. Observed: 69 variant alleles.
Comment: BA1, BP4

Color Diagnostics, LLC DBA Color Health
Classification: Benign for Tuberous sclerosis syndrome. Last evaluated: 2022-09-20. Review status: criteria provided, single submitter. Criteria: ACMG Guidelines, 2015. Collection method: clinical testing. Allele origin: germline.

Genome-Nilou Lab
Classification: Benign for Tuberous sclerosis 1. Last evaluated: 2021-11-07. Review status: criteria provided, single submitter. Criteria: ACMG Guidelines, 2015. Collection method: clinical testing. Allele origin: germline. Affected: no.

Women's Health and Genetics/Laboratory Corporation of America, LabCorp
Classification: Benign. Last evaluated: 2021-11-02. Review status: criteria provided, single submitter. Criteria: LabCorp Variant Classification Summary - May 2015. Collection method: clinical testing. Allele origin: germline.
Comment: Variant summary: TSC1 c.1760A>G (p.Lys587Arg) results in a conservative amino acid change in the encoded protein sequence. Four of five in-silico tools predict a benign effect of the variant on protein function. The variant allele was found at a frequency of 0.026 in 252466 control chromosomes, predominantly at a frequency of 0.17 within the Latino subpopulation in the gnomAD database, including 614 homozygotes. The observed variant frequency within Latino control individuals in the gnomAD database is approximately 6,800-fold of the estimated maximal expected allele frequency for a pathogenic variant in TSC1 causing Tuberous Sclerosis Complex phenotype (2.5e-05), strongly suggesting that the variant is a benign polymorphism. c.1760A>G has been reported in the literature in Tuberous Sclerosis Complex patients with other known causal variants (e.g. TSC2 c.648+1G>A; van Slegtenhorst_1997), providing supporting evidence for a benign role. Nine ClinVar submitters (evaluation after 2014) cite the variant as benign. Based on the evidence outlined above, the variant was classified as benign.

Department of Pathology and Laboratory Medicine, Sinai Health System
Classification: Benign for Lung lymphangioleiomyomatosis. Last evaluated: 2021-06-17. Review status: criteria provided, single submitter. Criteria: ACMG Guidelines, 2015. Collection method: clinical testing. Allele origin: germline. Affected: yes.

Quest Diagnostics Nichols Institute San Juan Capistrano
Classification: Benign. Last evaluated: 2021-06-17. Review status: criteria provided, single submitter. Criteria: Quest Diagnostics criteria. Collection method: clinical testing. Allele origin: unknown.

Illumina Laboratory Services, Illumina
Classification: Benign for Tuberous sclerosis 1. Last evaluated: 2018-03-06. Review status: criteria provided, single submitter. Criteria: ICSL Variant Classification Criteria 13 December 2019. Collection method: clinical testing. Allele origin: germline.
Comment: This variant was observed in the ICSL laboratory as part of a predisposition screen in an ostensibly healthy population. It had not been previously curated by ICSL or reported in the Human Gene Mutation Database (HGMD: prior to June 1st, 2018), and was therefore a candidate for classification through an automated scoring system. Utilizing variant allele frequency, disease prevalence and penetrance estimates, and inheritance mode, an automated score was calculated to assess if this variant is too frequent to cause the disease. Based on the score and internal cut-off values, a variant classified as benign is not then subjected to further curation. The score for this variant resulted in a classification of benign for this disease.

Illumina Laboratory Services, Illumina
Classification: Benign for Isolated focal cortical dysplasia type II. Last evaluated: 2018-03-06. Review status: criteria provided, single submitter. Criteria: ICSL Variant Classification Criteria 13 December 2019. Collection method: clinical testing. Allele origin: germline.
Comment: the same text as in the submission from Illumina Laboratory Services, Illumina above.

Center for Human Genetics, Inc
Classification: Benign for Tuberous sclerosis 1. Last evaluated: 2016-11-01. Review status: criteria provided, single submitter. Criteria: ACMG Guidelines, 2015. Collection method: clinical testing. Allele origin: germline. Affected: yes.

Laboratory for Molecular Medicine, Mass General Brigham Personalized Medicine
Classification: Benign. Last evaluated: 2016-04-25. Review status: criteria provided, single submitter. Criteria: LMM Criteria. Collection method: clinical testing. Allele origin: germline. Observed: 2 variant alleles.
Comment: Disclaimer: This variant has not undergone full assessment. The following are pr eliminary notes: Frequency

Center for Pediatric Genomic Medicine, Children's Mercy Hospital and Clinics
Classification: Benign. Last evaluated: 2016-01-21. Review status: criteria provided, single submitter. Criteria: ACMG Guidelines, 2015. Collection method: clinical testing. Allele origin: germline.

Vantari Genetics
Classification: Benign for Hereditary cancer-predisposing syndrome. Last evaluated: 2015-10-07. Review status: criteria provided, single submitter. Criteria: ACMG Guidelines, 2015. Collection method: clinical testing. Allele origin: germline.

Genomic Diagnostic Laboratory, Division of Genomic Diagnostics, Children's Hospital of Philadelphia
Classification: Benign for Tuberous sclerosis 1. Last evaluated: 2015-02-05. Review status: criteria provided, single submitter. Criteria: DGD Variant Analysis Guidelines. Collection method: clinical testing. Allele origin: unknown.

Ambry Genetics
Classification: Benign for Hereditary cancer-predisposing syndrome. Last evaluated: 2014-11-25. Review status: criteria provided, single submitter. Criteria: Ambry Variant Classification Scheme 2023. Collection method: clinical testing. Allele origin: germline.

Eurofins Ntd Llc (ga)
Classification: Benign. Last evaluated: 2014-07-16. Review status: criteria provided, single submitter. Criteria: EGL Classification Definitions 2015. Collection method: clinical testing. Allele origin: germline. Observed: 2 variant alleles, 2 heterozygotes.